The following is an entry in ClinVar:

ClinVar aggregate classification (germline): Likely benign. Review status: criteria provided, multiple submitters, no conflicts (2 of 4 stars). 3 submissions from 3 submitters: Likely benign (3). Last evaluated 2025-03-23.

Conditions:
Ehlers-Danlos syndrome, classic type, 1 (EDSCL1). Also called: Ehlers-Danlos Syndrome, Classic Type, COL5A1-Related; EDS I; Ehlers-Danlos syndrome, type 1; EHLERS-DANLOS SYNDROME, GRAVIS TYPE; EHLERS-DANLOS SYNDROME, SEVERE CLASSIC TYPE. Identifiers: MedGen C0268335, MONDO:0019567, OMIM 130000.
Familial thoracic aortic aneurysm and aortic dissection (TAAD). Also called: Thoracic aortic aneurysms and dissections. Identifiers: Orphanet 91387, MedGen C4707243, MONDO:0019625.

Allele frequency attached by ClinVar (database versions not stated): TOPMed 0.00001; ESP Exome Variant Server 0.00008.
gnomAD v4.1: 1 of 1,613,188 alleles (0.000062%); highest among the groups gnomAD compares: Non-Finnish European, 0.000085%; no homozygotes.

Submissions (3):

Labcorp Genetics (formerly Invitae), Labcorp
Classification: Likely benign for Ehlers-Danlos syndrome, classic type, 1. Last evaluated: 2025-03-23. Review status: criteria provided, single submitter. Criteria: Invitae Variant Classification Sherloc (09022015). Collection method: clinical testing. Allele origin: germline.

Ambry Genetics
Classification: Likely benign for Familial thoracic aortic aneurysm and aortic dissection. Last evaluated: 2023-02-14. Review status: criteria provided, single submitter. Criteria: Ambry Variant Classification Scheme 2023. Collection method: clinical testing. Allele origin: germline.

GeneDx
Classification: Likely benign. Last evaluated: 2018-02-13. Review status: criteria provided, single submitter. Criteria: GeneDx Variant Classification (06012015). Collection method: clinical testing. Allele origin: germline. Affected: yes.
Comment: This variant is considered likely benign or benign based on one or more of the following criteria: it is a conservative change, it occurs at a poorly conserved position in the protein, it is predicted to be benign by multiple in silico algorithms, and/or has population frequency not consistent with disease.

NM_000393.5(COL5A2):c.1440C>T (p.Gly480=)

Gene: COL5A2 (collagen type V alpha 2 chain; minus strand). Cytogenetic location: 2q32.2.
Variant type: single nucleotide variant.
Coding change: c.1440C>T on transcript NM_000393.5 (MANE Select); coding-DNA position 1440, C replaced by T.
Protein change: p.Gly480=; no amino-acid change (glycine 480 retained).
Molecular consequence: synonymous variant.
Genome position (GRCh38, 1-based): chr2:189,066,744, G>A on the plus strand (C>T on the coding strand, the complement: COL5A2 is on the minus strand). VCF-style: chr2-189066744-G-A. GRCh37 (hg19) VCF-style: chr2-189931470-G-A.
Identifiers: ClinVar variation 515537 (VCV000515537.4), dbSNP rs368133226, ClinGen allele CA62555656.